The following is an entry in ClinVar:

ClinVar aggregate classification (germline): Pathogenic (1 of 4 stars; one submission).

Conditions:
Werner syndrome (WRN). Identifiers: Orphanet 902, MedGen C0043119, MONDO:0010196, OMIM 277700.

Submission:

Labcorp Genetics (formerly Invitae), Labcorp
Classification: Pathogenic for Werner syndrome. Last evaluated: 2023-09-28. Review status: criteria provided, single submitter. Criteria: Invitae Variant Classification Sherloc (09022015). Collection method: clinical testing. Allele origin: germline.
Comment: This variant is not present in population databases (gnomAD no frequency). For these reasons, this variant has been classified as Pathogenic. This variant has not been reported in the literature in individuals affected with WRN-related conditions. This sequence change creates a premature translational stop signal (p.Ser256*) in the WRN gene. It is expected to result in an absent or disrupted protein product. Loss-of-function variants in WRN are known to be pathogenic (PMID: 16673358).

Literature cited by the submitters: PubMed 16673358.

NM_000553.6(WRN):c.767C>G (p.Ser256Ter)

Gene: WRN (WRN RecQ like helicase; plus strand). Cytogenetic location: 8p12.
Variant type: single nucleotide variant.
Coding change: c.767C>G on transcript NM_000553.6 (MANE Select); coding-DNA position 767, C replaced by G.
Protein change: p.Ser256Ter; replaces serine 256 with a stop codon.
Molecular consequence: nonsense.
Genome position (GRCh38, 1-based): chr8:31,076,215, C>G. VCF-style: chr8-31076215-C-G. GRCh37 (hg19) VCF-style: chr8-30933731-C-G.
Other names: short protein forms S256*.
Identifiers: ClinVar variation 2764071 (VCV002764071.3), dbSNP rs2535901953, ClinGen allele CA370918458.